The following is an entry in ClinVar:

ClinVar aggregate classification (germline): Pathogenic (1 of 4 stars; one submission).

Conditions:
Neurofibromatosis, type 1 (NF1). Also called: VON RECKLINGHAUSEN DISEASE; Neurofibromatosis, type I; Peripheral type neurofibromatosis; NEUROFIBROMATOSIS, TYPE I, SOMATIC. Identifiers: Orphanet 636, MedGen C0027831, MONDO:0018975, OMIM 162200. Disease mechanism: loss of function.

Submission:

Labcorp Genetics (formerly Invitae), Labcorp
Classification: Pathogenic for Neurofibromatosis, type 1. Last evaluated: 2023-04-07. Review status: criteria provided, single submitter. Criteria: Invitae Variant Classification Sherloc (09022015). Collection method: clinical testing. Allele origin: germline.
Comment: For these reasons, this variant has been classified as Pathogenic. This sequence change creates a premature translational stop signal (p.Arg1684Serfs*5) in the NF1 gene. It is expected to result in an absent or disrupted protein product. Loss-of-function variants in NF1 are known to be pathogenic (PMID: 10712197, 23913538). This variant is not present in population databases (gnomAD no frequency). This variant has not been reported in the literature in individuals affected with NF1-related conditions. Algorithms developed to predict the effect of sequence changes on RNA splicing suggest that this variant may create or strengthen a splice site.

Literature cited by the submitters: PubMed 10712197; PubMed 23913538.

NM_001042492.3(NF1):c.5115del (p.Arg1705fs)

Gene: NF1 (neurofibromin 1; plus strand). Cytogenetic location: 17q11.2.
Variant type: Deletion.
Coding change: c.5115del on transcript NM_001042492.3 (MANE Select); coding-DNA position 5115, one base deleted (G; older notation c.5115delG).
Protein change: p.Arg1705fs; shifts the reading frame from arginine 1705.
Molecular consequence: frameshift variant.
Genome position (GRCh38, 1-based): chr17:31,326,099, G deleted; the last of 2 consecutive G bases (chr17:31,326,098-31,326,099); deleting either gives the same sequence. VCF-style (leftmost placement, unchanged base first): chr17-31326097-AG-A. GRCh37 (hg19) VCF-style: chr17-29653115-AG-A.
Other names: c.5052delG, p.Arg1684Serfs (NM_000267.4); short protein forms R1684fs, R1705fs.
Identifiers: ClinVar variation 2853074 (VCV002853074.3), dbSNP rs2508697238, ClinGen allele CA2739267459.